The following is an entry in ClinVar:

NM_198578.4(LRRK2):c.6510C>A (p.Gly2170=)

Gene: LRRK2 (leucine rich repeat kinase 2; plus strand). Cytogenetic location: 12q12.
Variant type: single nucleotide variant.
Coding change: c.6510C>A on transcript NM_198578.4 (MANE Select); coding-DNA position 6510, C replaced by A.
Protein change: p.Gly2170=; no amino-acid change (glycine 2170 retained).
Molecular consequence: synonymous variant.
Genome position (GRCh38, 1-based): chr12:40,351,667, C>A. VCF-style: chr12-40351667-C-A. GRCh37 (hg19) VCF-style: chr12-40745469-C-A.
Other names: p.Gly2170=.
Identifiers: ClinVar variation 39228 (VCV000039228.52), dbSNP rs34869625, ClinGen allele CA343665.
Genomic context (GRCh38, chr12:40,351,667, plus strand): 5'-AATTGTTGAATGCATGGTTGCTACACATCACAACAGCAGGAATGCAAGCATTTGGCTGGG[C>A]TGTGGGCACACCGACAGAGGACAGCTCTCATTTCTTGACTTAAATACTGAAGGATACACT-3'
Protein context (NP_940980.4, residues 2160-2180): HNSRNASIWL[Gly2170=]CGHTDRGQLS

ClinVar aggregate classification (germline): Benign/Likely benign. Review status: criteria provided, multiple submitters, no conflicts (2 of 4 stars). 7 submissions from 7 submitters: Benign (3); Likely benign (3). 1 of the submissions does not count toward it. Last evaluated 2026-08-01.

Conditions:
Inborn genetic diseases. Identifiers: MedGen C0950123, MeSH D030342.
Autosomal dominant Parkinson disease 8. Also called: LRRK2-Related Parkinson Disease; Parkinson disease 8; Parkinson disease 8, susceptibility to. Identifiers: Orphanet 411602, MedGen C1846862, MONDO:0011764, OMIM 607060.

Allele frequency attached by ClinVar (database versions not stated): gnomAD 0.00096 and 0.00101; ExAC 0.00110; ESP Exome Variant Server 0.00100; TOPMed 0.00110; gnomAD exomes 0.00114 and 0.00105.
gnomAD v4.1: 1,800 of 1,614,062 alleles (0.11%); highest among the groups gnomAD compares: Non-Finnish European, 0.12%; 4 homozygotes.

Submissions (9):

CeGaT Center for Human Genetics Tuebingen
Classification: Likely benign. Last evaluated: 2026-08-01. Review status: criteria provided, single submitter. Criteria: CeGaT Center For Human Genetics Tuebingen Variant Classification Criteria Version 2. Collection method: clinical testing. Allele origin: germline. Affected: yes. Observed: 8 variant alleles.
Comment: LRRK2: BP4, BP7, BS1

Labcorp Genetics (formerly Invitae), Labcorp
Classification: Benign for Autosomal dominant Parkinson disease 8. Last evaluated: 2026-01-26. Review status: criteria provided, single submitter. Criteria: Invitae Variant Classification Sherloc (09022015). Collection method: clinical testing. Allele origin: germline.

Mayo Clinic Laboratories, Mayo Clinic
Classification: Benign. Last evaluated: 2024-03-04. Review status: criteria provided, single submitter. Criteria: ACMG Guidelines, 2015. Collection method: clinical testing. Allele origin: germline. Observed: 5 variant alleles.
Comment: BS1, BS2

Ambry Genetics
Classification: Likely benign for Inborn genetic diseases. Last evaluated: 2022-02-12. Review status: criteria provided, single submitter. Criteria: Ambry Variant Classification Scheme 2023. Collection method: clinical testing. Allele origin: germline.

GeneDx
Classification: Benign. Last evaluated: 2020-12-03. Review status: criteria provided, single submitter. Criteria: GeneDx Variant Classification Process June 2021. Collection method: clinical testing. Allele origin: germline. Affected: yes.

Illumina Laboratory Services, Illumina
Classification: Likely benign for Autosomal dominant Parkinson disease 8. Last evaluated: 2017-04-27. Review status: criteria provided, single submitter. Criteria: ICSL Variant Classification Criteria 13 December 2019. Collection method: clinical testing. Allele origin: germline.
Comment: This variant was observed as part of a predisposition screen in an ostensibly healthy population. A literature search was performed for the gene, cDNA change, and amino acid change (where applicable). Publications were found based on this search. The evidence from the literature, in combination with allele frequency data from public databases where available, was sufficient to determine this variant is unlikely to cause disease. Therefore, this variant is classified as likely benign.

Dr. Peter K. Rogan Lab, Western University
No classification provided (evidence only). Condition: Melanoma. Review status: no classification provided. Collection method: in vitro. Allele origin: not applicable. Functional consequence: retained intron. Not counted in ClinVar's aggregate classification.

Dr. Peter K. Rogan Lab, Western University
No classification provided (evidence only). Condition: Thyroid cancer, nonmedullary, 1. Review status: no classification provided. Collection method: in vitro. Allele origin: not applicable. Functional consequence: skipped exon, retained intron. Not counted in ClinVar's aggregate classification.

GeneReviews
No classification provided. Condition: Autosomal dominant Parkinson disease 8. Review status: no classification provided. Collection method: literature only. Allele origin: unknown. Not counted in ClinVar's aggregate classification.

Literature cited by the submitters: PubMed 19472409 (cited by Mayo Clinic Laboratories, Mayo Clinic and Illumina Laboratory Services, Illumina); PubMed 16172858 (cited by Illumina Laboratory Services, Illumina); PubMed 21885347 (cited by Illumina Laboratory Services, Illumina); PubMed 20301387 (cited by GeneReviews); NCBI Bookshelf NBK1208 (cited by GeneReviews).